The following is an entry in ClinVar:

NM_006514.4(SCN10A):c.4219T>C (p.Phe1407Leu)

Gene: SCN10A (sodium voltage-gated channel alpha subunit 10; minus strand). Cytogenetic location: 3p22.2.
Variant type: single nucleotide variant.
Coding change: c.4219T>C on transcript NM_006514.4 (MANE Select); coding-DNA position 4219, T replaced by C.
Protein change: p.Phe1407Leu; replaces phenylalanine 1407 with leucine.
Molecular consequence: missense variant.
Genome position (GRCh38, 1-based): chr3:38,709,540, A>G on the plus strand (T>C on the coding strand, the complement: SCN10A is on the minus strand). VCF-style: chr3-38709540-A-G. GRCh37 (hg19) VCF-style: chr3-38751031-A-G.
Other names: c.4216T>C, p.Phe1406Leu (NM_001293306.2); c.3925T>C, p.Phe1309Leu (NM_001293307.2); short protein forms F1309L, F1406L, F1407L.
Identifiers: ClinVar variation 1695588 (VCV001695588.4), dbSNP rs2125987813, ClinGen allele CA352149748.

ClinVar aggregate classification (germline): Uncertain significance (1 of 4 stars; one submission).

Submission:

GeneDx
Classification: Uncertain significance. Last evaluated: 2025-03-13. Review status: criteria provided, single submitter. Criteria: GeneDx Variant Classification Process June 2021. Collection method: clinical testing. Allele origin: germline. Affected: yes.
Comment: Not observed at significant frequency in large population cohorts (gnomAD); In silico analysis supports that this missense variant has a deleterious effect on protein structure/function; Has not been previously published as pathogenic or benign to our knowledge